The following is an entry in ClinVar:

NM_001077350.3(NPRL3):c.865A>G (p.Thr289Ala)

Genes: HBA-LCR (alpha-globin locus control region; plus strand), NPRL3 (NPR3 like, GATOR1 complex subunit; minus strand). Cytogenetic location: 16p13.3.
Variant type: single nucleotide variant.
Coding change: c.865A>G on transcript NM_001077350.3 (MANE Select); coding-DNA position 865, A replaced by G.
Protein change: p.Thr289Ala; replaces threonine 289 with alanine.
Molecular consequence: missense variant.
Genome position (GRCh38, 1-based): chr16:98,204, T>C on the plus strand (A>G on the coding strand, the complement: NPRL3 is on the minus strand). VCF-style: chr16-98204-T-C. GRCh37 (hg19) VCF-style: chr16-148202-T-C.
Other names: c.328A>G, p.Thr110Ala (NM_001039476.3); c.631A>G, p.Thr211Ala (NM_001243247.2); c.790A>G, p.Thr264Ala (NM_001243248.2, NM_001243249.2); short protein forms T211A, T264A, T289A, T110A.
Identifiers: ClinVar variation 4700194 (VCV004700194.1).

ClinVar aggregate classification (germline): Uncertain significance (1 of 4 stars; one submission).

Conditions:
Epilepsy, familial focal, with variable foci 3 (FFEVF3). Identifiers: MedGen C4310708, MONDO:0014925, OMIM 617118.

gnomAD v4.1: 2 of 1,613,972 alleles (0.00012%); highest among the groups gnomAD compares: South Asian, 0.0022%; no homozygotes.

Submission:

Labcorp Genetics (formerly Invitae), Labcorp
Classification: Uncertain significance for Epilepsy, familial focal, with variable foci 3. Last evaluated: 2025-02-15. Review status: criteria provided, single submitter. Criteria: Invitae Variant Classification Sherloc (09022015). Collection method: clinical testing. Allele origin: germline.
Comment: This sequence change replaces threonine, which is neutral and polar, with alanine, which is neutral and non-polar, at codon 289 of the NPRL3 protein (p.Thr289Ala). This variant is not present in population databases (gnomAD no frequency). This variant has not been reported in the literature in individuals affected with NPRL3-related conditions. Invitae Evidence Modeling of protein sequence and biophysical properties (such as structural, functional, and spatial information, amino acid conservation, physicochemical variation, residue mobility, and thermodynamic stability) indicates that this missense variant is not expected to disrupt NPRL3 protein function with a negative predictive value of 80%. In summary, the available evidence is currently insufficient to determine the role of this variant in disease. Therefore, it has been classified as a Variant of Uncertain Significance.